The following is an entry in ClinVar:

ClinVar aggregate classification (germline): Uncertain significance (3 of 4 stars; one submission).

Conditions:
Creatine transporter deficiency (CCDS1). Also called: Mental retardation , X-linked with seizures, short stature and midface hypoplasia; Mental retardation , X-linked, with creatine transport deficiency; X-linked creatine transporter deficiency; X-linked creatine deficiency syndrome; SLC6A8-Related Creatine Transporter Deficiency; CREATINE TRANSPORTER DEFECT. Identifiers: Orphanet 52503, MedGen C1845862, MONDO:0010305, OMIM 300352.

Submission:

ClinGen Cerebral Creatine Deficiency Syndromes Variant Curation Expert Panel, ClinGen
Classification: Uncertain significance for Creatine transporter deficiency. Last evaluated: 2024-03-28. Review status: reviewed by expert panel. Criteria: ClinGen_CCDS_ACMG_Specifications_SLC6A8_v1.1. Collection method: curation. Allele origin: germline. Inheritance: X-linked inheritance.
Comment: The NM_005629.4:c.338G>A variant in SLC6A8 is a missense variant that is predicted to result in the substitution of glycine by aspartate at amino acid 113 (p.Gly113Asp). This variant was reported to result in undetectable creatine transport activity, with 25uM creatine, when expressed in SLC6A8 deficient fibroblasts (PMID: 23644449) (PS3_Supporting). The variant is absent in gnomAD v2.1.1. (PM2_Supporting). The computational predictor REVEL gives a score of 0.968 which is above the threshold of 0.75, evidence that correlates with impact to SLC6A8 function (PP3). There is no ClinVar entry for this variant. In summary, while there is some suspicion for a pathogenic role, this variant currently meets criteria to be classified as a variant of uncertain significance for creatine transporter deficiency. SLC6A8-specific criteria applied, as specified by the ClinGen CCDS VCEP (Specifications Version 1.1.0): PS3_Supporting, PM2_Supporting, PP3, PP4. (Classification approved by the ClinGen Cerebral Creatine Deficiency Syndromes Variant Curation Expert Panel on March 28, 2024).

Literature cited by the submitters: PubMed 23644449.

NM_005629.4(SLC6A8):c.338G>A (p.Gly113Asp)

Gene: SLC6A8 (solute carrier family 6 member 8; plus strand). Cytogenetic location: Xq28.
Variant type: single nucleotide variant.
Coding change: c.338G>A on transcript NM_005629.4 (MANE Select); coding-DNA position 338, G replaced by A.
Protein change: p.Gly113Asp; replaces glycine 113 with aspartic acid.
Molecular consequence: missense variant. On other transcripts: 5 prime UTR variant (1).
Genome position (GRCh38, 1-based): chrX:153,690,450, G>A. VCF-style: chrX-153690450-G-A. GRCh37 (hg19) VCF-style: chrX-152955905-G-A.
Other names: NM_001142805.2:c.338G>A; c.338G>A, p.Gly113Asp (NM_001142805.2); c.-8G>A (NM_001142806.1); short protein forms G113D.
Identifiers: ClinVar variation 3066432 (VCV003066432.1), dbSNP rs2522152410, ClinGen allele CA415077715.
Genomic context (GRCh38, chrX:153,690,450, plus strand): 5'-CCTACGTCCTGATCGCCCTGGTTGGAGGAATCCCCATTTTCTTCTTAGAGATCTCGCTGG[G>A]CCAGTTCATGAAGGCCGGCAGCATCAATGTCTGGAACATCTGTCCCCTGTTCAAAGGTGA-3'
Protein context (NP_005620.1, residues 103-123): IPIFFLEISL[Gly113Asp]QFMKAGSINV